The following is an entry in ClinVar:

NM_152383.5(DIS3L2):c.1253C>T (p.Pro418Leu)

Gene: DIS3L2 (DIS3 like 3'-5' exoribonuclease 2; plus strand). Cytogenetic location: 2q37.1.
Variant type: single nucleotide variant.
Coding change: c.1253C>T on transcript NM_152383.5 (MANE Select); coding-DNA position 1253, C replaced by T.
Protein change: p.Pro418Leu; replaces proline 418 with leucine.
Molecular consequence: missense variant. On other transcripts: non-coding transcript variant (2).
Genome position (GRCh38, 1-based): chr2:232,238,581, C>T. VCF-style: chr2-232238581-C-T. GRCh37 (hg19) VCF-style: chr2-233103291-C-T.
Other names: c.1253C>T, p.Pro418Leu (NM_001257281.2); short protein forms P418L.
Identifiers: ClinVar variation 940288 (VCV000940288.12), dbSNP rs752820747, ClinGen allele CA2164092.

ClinVar aggregate classification (germline): Conflicting classifications of pathogenicity. Review status: criteria provided, conflicting classifications (1 of 4 stars). 3 submissions from 3 submitters: Uncertain significance (2); Benign (1). Last evaluated 2023-09-06.

Conditions:
Inborn genetic diseases. Identifiers: MedGen C0950123, MeSH D030342.
Perlman syndrome (PRLMNS). Identifiers: Orphanet 2849, MedGen C0796113, MONDO:0009965, OMIM 267000.

Allele frequency attached by ClinVar (database versions not stated): TOPMed below 0.00001.
gnomAD v4.1: 14 of 1,614,154 alleles (0.00087%); highest among the groups gnomAD compares: East Asian, 0.0045%; no homozygotes.

Submissions (3):

Labcorp Genetics (formerly Invitae), Labcorp
Classification: Benign for Perlman syndrome. Last evaluated: 2023-09-06. Review status: criteria provided, single submitter. Criteria: Invitae Variant Classification Sherloc (09022015). Collection method: clinical testing. Allele origin: germline.

Ambry Genetics
Classification: Uncertain significance for Inborn genetic diseases. Last evaluated: 2021-06-29. Review status: criteria provided, single submitter. Criteria: Ambry Variant Classification Scheme 2023. Collection method: clinical testing. Allele origin: germline.

GeneDx
Classification: Uncertain significance. Last evaluated: 2019-04-29. Review status: criteria provided, single submitter. Criteria: GeneDx Variant Classification Process June 2021. Collection method: clinical testing. Allele origin: germline. Affected: yes.
Comment: Has not been previously published as pathogenic or benign to our knowledge